The following is an entry in ClinVar:

ClinVar aggregate classification (germline): Uncertain significance (1 of 4 stars; one submission).

Submission:

Labcorp Genetics (formerly Invitae), Labcorp
Classification: Uncertain significance. Last evaluated: 2023-05-01. Review status: criteria provided, single submitter. Criteria: Invitae Variant Classification Sherloc (09022015). Collection method: clinical testing. Allele origin: germline.
Comment: In summary, the available evidence is currently insufficient to determine the role of this variant in disease. Therefore, it has been classified as a Variant of Uncertain Significance. This variant disrupts the C-terminus of the POGLUT1 protein. Other variant(s) that disrupt this region (p.Asn361Glufs*5) have been observed in individuals with POGLUT1-related conditions (PMID: 30414910). This suggests that this may be a clinically significant region of the protein. This variant has not been reported in the literature in individuals affected with POGLUT1-related conditions. This variant is not present in population databases (gnomAD no frequency). This sequence change creates a premature translational stop signal (p.Trp359Leufs*7) in the POGLUT1 gene. While this is not anticipated to result in nonsense mediated decay, it is expected to disrupt the last 34 amino acid(s) of the POGLUT1 protein.

Literature cited by the submitters: PubMed 30414910.

NM_152305.3(POGLUT1):c.1075dup (p.Trp359fs)

Gene: POGLUT1 (protein O-glucosyltransferase 1; plus strand). Cytogenetic location: 3q13.33.
Variant type: Duplication.
Coding change: c.1075dup on transcript NM_152305.3 (MANE Select); coding-DNA position 1075, one base duplicated (T; older notation c.1075dupT).
Protein change: p.Trp359fs; shifts the reading frame from tryptophan 359.
Molecular consequence: frameshift variant. On other transcripts: non-coding transcript variant (1).
Genome position (GRCh38, 1-based): chr3:119,492,334, T duplicated. VCF-style (leftmost placement, unchanged base first): chr3-119492333-C-CT. GRCh37 (hg19) VCF-style: chr3-119211180-C-CT.
Other names: c.1075dup, p.Trp359Leufs (NM_020231.3); short protein forms W359fs.
Identifiers: ClinVar variation 2861263 (VCV002861263.3), dbSNP rs2473052756, ClinGen allele CA2739279192.
Genomic context (GRCh38, chr3:119,492,333, plus strand): 5'-TGTCTCTAGGGGAAGCCAGTTTATTAGGAACCATTTGCAGATGGATGACATCACCTGTTA[C>CT]TGGGAGAACCTCTTGAGTGAATACTCTAAATTCCTGTCTTATAATGTAACGAGAAGGAAA-3'